The following is an entry in ClinVar:

NM_000222.3(KIT):c.1671G>C (p.Trp557Cys)

Gene: KIT (KIT proto-oncogene, receptor tyrosine kinase; plus strand). Cytogenetic location: 4q12.
Variant type: single nucleotide variant.
Coding change: c.1671G>C on transcript NM_000222.3 (MANE Select); coding-DNA position 1671, G replaced by C.
Protein change: p.Trp557Cys; replaces tryptophan 557 with cysteine.
Molecular consequence: missense variant.
Genome position (GRCh38, 1-based): chr4:54,727,439, G>C. VCF-style: chr4-54727439-G-C. GRCh37 (hg19) VCF-style: chr4-55593605-G-C.
Other names: c.1659G>C, p.Trp553Cys (NM_001093772.2, NM_001385286.1); c.1674G>C, p.Trp558Cys (NM_001385284.1, NM_001385290.1); c.1671G>C, p.Trp557Cys (NM_001385285.1); c.1662G>C, p.Trp554Cys (NM_001385288.1, NM_001385292.1); short protein forms W557C, W553C, W554C, W558C.
Identifiers: ClinVar variation 376734 (VCV000376734.2), dbSNP rs1057520033, ClinGen allele CA16603142.

ClinVar aggregate classification (oncogenicity): Likely oncogenic (0 of 4 stars; one submission).

Conditions:
Gastrointestinal stromal tumor. Also called: Gastrointestinal stromal tumor, somatic; Gastrointestinal stroma tumor. Identifiers: Orphanet 44890, MedGen C0238198, MeSH D046152, MONDO:0011719, OMIM 606764, HP:0100723.

Submission:

National Institute of Cancer Research, National Health Research Institutes
Classification: Likely oncogenic for Gastrointestinal stromal tumor. Review status: no assertion criteria provided. Collection method: research. Allele origin: somatic. Affected: yes. Observed: 4 variant alleles.
Comment: the literature